The following is an entry in ClinVar:

NM_001267550.2(TTN):c.72226_72229dup (p.Glu24077fs)

Genes: TTN-AS1 (TTN antisense RNA 1; plus strand), TTN (titin; minus strand). Cytogenetic location: 2q31.2.
Variant type: Duplication.
Coding change: c.72226_72229dup on transcript NM_001267550.2 (MANE Select); coding-DNA positions 72226 to 72229, 4 bases duplicated (TTAG; older notation c.72226_72229dupTTAG).
Protein change: p.Glu24077fs; shifts the reading frame from glutamic acid 24077.
Molecular consequence: frameshift variant.
Genome position (GRCh38, 1-based): chr2:178,573,903-178,573,906, CTAA duplicated on the plus strand (TTAG on the coding strand, the reverse complement: TTN is on the minus strand); duplicating any 4 consecutive bases within chr2:178,573,903-178,573,908 gives the same sequence; the c. name uses the placement nearest the transcript's 3' end. VCF-style (leftmost placement, unchanged base first): chr2-178573902-T-TCTAA. GRCh37 (hg19) VCF-style: chr2-179438629-T-TCTAA.
Other names: c.67303_67306dup, p.Glu22436fs (NM_001256850.1); c.45031_45034dup, p.Glu15012fs (NM_003319.4); c.64522_64525dup, p.Glu21509fs (NM_133378.4); c.45406_45409dup, p.Glu15137fs (NM_133432.3); c.45607_45610dup, p.Glu15204fs (NM_133437.4); short protein forms E15012fs, E21509fs, E22436fs, E15137fs, E15204fs, E24077fs.
Identifiers: ClinVar variation 2925332 (VCV002925332.3), dbSNP rs2468604863, ClinGen allele CA2586965340.

ClinVar aggregate classification (germline): Likely pathogenic (1 of 4 stars; one submission).

Conditions:
Dilated cardiomyopathy 1G (CMD1G). Identifiers: Orphanet 154, MedGen C1858763, MONDO:0011400, OMIM 604145.
Autosomal recessive limb-girdle muscular dystrophy type 2J (LGMDR10). Also called: Limb-girdle muscular dystrophy, type 2J; MUSCULAR DYSTROPHY, LIMB-GIRDLE, AUTOSOMAL RECESSIVE 10. Identifiers: Orphanet 140922, MedGen C1837342, MONDO:0012127, OMIM 608807.

Submission:

Labcorp Genetics (formerly Invitae), Labcorp
Classification: Likely pathogenic for Dilated cardiomyopathy 1G; Autosomal recessive limb-girdle muscular dystrophy type 2J. Last evaluated: 2023-07-09. Review status: criteria provided, single submitter. Criteria: Invitae Variant Classification Sherloc (09022015). Collection method: clinical testing. Allele origin: germline.
Comment: This variant is also known as c.45034_45035insTTAG (p.Glu15012Valfs*11). This variant is located in the A band of TTN (PMID: 25589632). Truncating variants in this region are significantly overrepresented in patients affected with dilated cardiomyopathy (PMID: 25589632). Truncating variants in this region have also been reported in individuals affected with autosomal recessive centronuclear myopathy (PMID: 23975875). In summary, the currently available evidence indicates that the variant is pathogenic, but additional data are needed to prove that conclusively. Therefore, this variant has been classified as Likely Pathogenic. This variant is not present in population databases (gnomAD no frequency). This sequence change creates a premature translational stop signal (p.Glu24077Valfs*11) in the TTN gene. While this is not anticipated to result in nonsense mediated decay, it is expected to create a truncated TTN protein. This premature translational stop signal has been observed in individual(s) with dilated cardiomyopathy (PMID: 28416588).

Literature cited by the submitters: PubMed 25589632; PubMed 23975875; PubMed 28416588.